The following is an entry in ClinVar:

NM_001378964.1(CDON):c.765G>A (p.Trp255Ter)

Gene: CDON (cell adhesion associated, oncogene regulated; minus strand). Cytogenetic location: 11q24.2.
Variant type: single nucleotide variant.
Coding change: c.765G>A on transcript NM_001378964.1 (MANE Select); coding-DNA position 765, G replaced by A.
Protein change: p.Trp255Ter; replaces tryptophan 255 with a stop codon.
Molecular consequence: nonsense.
Genome position (GRCh38, 1-based): chr11:126,017,251, C>T on the plus strand (G>A on the coding strand, the complement: CDON is on the minus strand). VCF-style: chr11-126017251-C-T. GRCh37 (hg19) VCF-style: chr11-125887146-C-T.
Other names: c.765G>A, p.Trp255Ter (NM_001243597.3, NM_016952.6); short protein forms W255*.
Identifiers: ClinVar variation 2642520 (VCV002642520.24), dbSNP rs2497233152, ClinGen allele CA383210892.
Genomic context (GRCh38, chr11:126,017,251, plus strand): 5'-AAGATGAGAATACAACCTTCTCCAGTTGCTTCCTGGTGCAATGTCCTGCCCGTCCTTTAG[C>T]CAATACACTTGAGGAGCCGGGACCCCACTCACCACACACTCCAAGGTTACAGGGCTACGA-3'

ClinVar aggregate classification (germline): Uncertain significance (1 of 4 stars; one submission).

Submission:

CeGaT Center for Human Genetics Tuebingen
Classification: Uncertain significance. Last evaluated: 2022-05-01. Review status: criteria provided, single submitter. Criteria: CeGaT Center For Human Genetics Tuebingen Variant Classification Criteria Version 2. Collection method: clinical testing. Allele origin: germline. Affected: yes. Observed: 1 variant allele.
Comment: CDON: PM2